The following is an entry in ClinVar:

NM_001177316.2(SLC34A3):c.1607G>A (p.Arg536Gln)

Gene: SLC34A3 (solute carrier family 34 member 3; plus strand). Cytogenetic location: 9q34.3.
Variant type: single nucleotide variant.
Coding change: c.1607G>A on transcript NM_001177316.2 (MANE Select); coding-DNA position 1607, G replaced by A.
Protein change: p.Arg536Gln; replaces arginine 536 with glutamine.
Molecular consequence: missense variant.
Genome position (GRCh38, 1-based): chr9:137,236,223, G>A. VCF-style: chr9-137236223-G-A. GRCh37 (hg19) VCF-style: chr9-140130675-G-A.
Other names: c.1607G>A (NM_080877.2); c.1607G>A, p.Arg536Gln (NM_001177317.2, NM_080877.3); short protein forms R536Q.
Identifiers: ClinVar variation 2055991 (VCV002055991.5), dbSNP rs370167046, ClinGen allele CA5365009.

ClinVar aggregate classification (germline): Uncertain significance. Review status: criteria provided, multiple submitters, no conflicts (2 of 4 stars). 3 submissions from 3 submitters: Uncertain significance (3). Last evaluated 2024-06-18.

Conditions:
Inborn genetic diseases. Identifiers: MedGen C0950123, MeSH D030342.
Autosomal recessive hypophosphatemic bone disease (HHRH). Also called: HYPERCALCIURIC RICKETS; Hypophosphatemic rickets with hypercalciuria. Identifiers: Orphanet 157215, MedGen C1853271, MONDO:0009431, OMIM 241530.

Allele frequency attached by ClinVar (database versions not stated): TOPMed 0.00005; gnomAD 0.00006; gnomAD exomes 0.00006; ExAC 0.00007; ESP Exome Variant Server 0.00008.
gnomAD v4.1: 95 of 1,563,920 alleles (0.0061%); highest among the groups gnomAD compares: African/African-American, 0.0095%; no homozygotes.

Submissions (3):

Fulgent Genetics
Classification: Uncertain significance for Autosomal recessive hypophosphatemic bone disease. Last evaluated: 2024-06-18. Review status: criteria provided, single submitter. Criteria: ACMG Guidelines, 2015. Collection method: clinical testing. Allele origin: germline.

Labcorp Genetics (formerly Invitae), Labcorp
Classification: Uncertain significance. Last evaluated: 2024-03-02. Review status: criteria provided, single submitter. Criteria: Invitae Variant Classification Sherloc (09022015). Collection method: clinical testing. Allele origin: germline.
Comment: This sequence change replaces arginine, which is basic and polar, with glutamine, which is neutral and polar, at codon 536 of the SLC34A3 protein (p.Arg536Gln). The frequency data for this variant in the population databases is considered unreliable, as metrics indicate poor data quality at this position in the gnomAD database. This variant has not been reported in the literature in individuals affected with SLC34A3-related conditions. ClinVar contains an entry for this variant (Variation ID: 2055991). Advanced modeling of protein sequence and biophysical properties (such as structural, functional, and spatial information, amino acid conservation, physicochemical variation, residue mobility, and thermodynamic stability) performed at Invitae indicates that this missense variant is not expected to disrupt SLC34A3 protein function with a negative predictive value of 80%. In summary, the available evidence is currently insufficient to determine the role of this variant in disease. Therefore, it has been classified as a Variant of Uncertain Significance.

Ambry Genetics
Classification: Uncertain significance for Inborn genetic diseases. Last evaluated: 2023-12-20. Review status: criteria provided, single submitter. Criteria: Ambry Variant Classification Scheme 2023. Collection method: clinical testing. Allele origin: germline.